The following is an entry in ClinVar:

ClinVar aggregate classification (germline): Uncertain significance (1 of 4 stars; one submission).

Conditions:
Neurofibromatosis, type 1 (NF1). Also called: VON RECKLINGHAUSEN DISEASE; Neurofibromatosis, type I; NEUROFIBROMATOSIS, TYPE I, SOMATIC; Peripheral type neurofibromatosis. Identifiers: Orphanet 636, MedGen C0027831, MONDO:0018975, OMIM 162200. Disease mechanism: loss of function.

Submission:

Labcorp Genetics (formerly Invitae), Labcorp
Classification: Uncertain significance for Neurofibromatosis, type 1. Last evaluated: 2025-10-13. Review status: criteria provided, single submitter. Criteria: Invitae Variant Classification Sherloc (09022015). Collection method: clinical testing. Allele origin: germline.
Comment: This sequence change replaces serine, which is neutral and polar, with tyrosine, which is neutral and polar, at codon 2781 of the NF1 protein (p.Ser2781Tyr). This variant is not present in population databases (gnomAD no frequency). This variant has not been reported in the literature in individuals affected with NF1-related conditions. ClinVar contains an entry for this variant (Variation ID: 1390896). Invitae Evidence Modeling of protein sequence and biophysical properties (such as structural, functional, and spatial information, amino acid conservation, physicochemical variation, residue mobility, and thermodynamic stability) indicates that this missense variant is expected to disrupt NF1 protein function with a positive predictive value of 95%. In summary, the available evidence is currently insufficient to determine the role of this variant in disease. Therefore, it has been classified as a Variant of Uncertain Significance.

NM_001042492.3(NF1):c.8405C>A (p.Ser2802Tyr)

Gene: NF1 (neurofibromin 1; plus strand). Cytogenetic location: 17q11.2.
Variant type: single nucleotide variant.
Coding change: c.8405C>A on transcript NM_001042492.3 (MANE Select); coding-DNA position 8405, C replaced by A.
Protein change: p.Ser2802Tyr; replaces serine 2802 with tyrosine.
Molecular consequence: missense variant.
Genome position (GRCh38, 1-based): chr17:31,374,040, C>A. VCF-style: chr17-31374040-C-A. GRCh37 (hg19) VCF-style: chr17-29701058-C-A.
Other names: c.8342C>A, p.Ser2781Tyr (NM_000267.4); short protein forms S2781Y, S2802Y.
Identifiers: ClinVar variation 1390896 (VCV001390896.6), dbSNP rs754638282, ClinGen allele CA399205907.
Genomic context (GRCh38, chr17:31,374,040, plus strand): 5'-GAAGAAGTAACTGGCTGTTCTCTTTTTCTCCAGGAATCGACAAGGAGAACGTTGAACTCT[C>A]CCCTACCACTGGCCACTGTAACAGTGGACGAACTCGCCACGGATCCGCAAGCCAAGTGCA-3'
Protein context (NP_001035957.1, residues 2792-2812): PGIDKENVEL[Ser2802Tyr]PTTGHCNSGR